The following is an entry in ClinVar:

NM_001323289.2(CDKL5):c.2106C>T (p.His702=)

Gene: CDKL5 (cyclin dependent kinase like 5; plus strand). Cytogenetic location: Xp22.13.
Variant type: single nucleotide variant.
Coding change: c.2106C>T on transcript NM_001323289.2 (MANE Select); coding-DNA position 2106, C replaced by T.
Protein change: p.His702=; no amino-acid change (histidine 702 retained).
Molecular consequence: synonymous variant.
Genome position (GRCh38, 1-based): chrX:18,609,524, C>T. VCF-style: chrX-18609524-C-T. GRCh37 (hg19) VCF-style: chrX-18627644-C-T.
Other names: c.2106C>T, p.His702= (NM_001037343.2, NM_003159.3).
Identifiers: ClinVar variation 378930 (VCV000378930.10), dbSNP rs1057520416, ClinGen allele CA16609162.

ClinVar aggregate classification (germline): Likely benign. Review status: criteria provided, multiple submitters, no conflicts (2 of 4 stars). 2 submissions from 2 submitters: Likely benign (2). Last evaluated 2023-11-18.

Conditions:
Developmental and epileptic encephalopathy, 2 (DEE2). Also called: INFANTILE SPASM SYNDROME, X-LINKED 2; CDKL5 deficiency disorder. Identifiers: Orphanet 1934, Orphanet 3451, Orphanet 505652, MedGen C4750718, MONDO:0010396, OMIM 300672.
Angelman syndrome-like. Identifiers: MedGen CN128785.

Allele frequency attached by ClinVar (database versions not stated): gnomAD exomes below 0.00001.
gnomAD v4.1: 5 of 1,211,827 alleles (0.00041%); highest among the groups gnomAD compares: Non-Finnish European, 0.00056%; no homozygotes.

Submissions (2):

Labcorp Genetics (formerly Invitae), Labcorp
Classification: Likely benign for Developmental and epileptic encephalopathy, 2; Angelman syndrome-like. Last evaluated: 2023-11-18. Review status: criteria provided, single submitter. Criteria: Invitae Variant Classification Sherloc (09022015). Collection method: clinical testing. Allele origin: germline.

GeneDx
Classification: Likely benign. Last evaluated: 2016-10-17. Review status: criteria provided, single submitter. Criteria: GeneDx Variant Classification (06012015). Collection method: clinical testing. Allele origin: germline. Affected: yes.
Comment: This variant is considered likely benign or benign based on one or more of the following criteria: it is a conservative change, it occurs at a poorly conserved position in the protein, it is predicted to be benign by multiple in silico algorithms, and/or has population frequency not consistent with disease.